The following is an entry in ClinVar:

NM_001036.6(RYR3):c.11832C>A (p.Phe3944Leu)

Gene: RYR3 (ryanodine receptor 3; plus strand). Cytogenetic location: 15q14.
Variant type: single nucleotide variant.
Coding change: c.11832C>A on transcript NM_001036.6 (MANE Select); coding-DNA position 11832, C replaced by A.
Protein change: p.Phe3944Leu; replaces phenylalanine 3944 with leucine.
Molecular consequence: missense variant.
Genome position (GRCh38, 1-based): chr15:33,837,812, C>A. VCF-style: chr15-33837812-C-A. GRCh37 (hg19) VCF-style: chr15-34130013-C-A.
Other names: c.11817C>A, p.Phe3939Leu (NM_001243996.4); short protein forms F3939L, F3944L.
Identifiers: ClinVar variation 1490209 (VCV001490209.8), dbSNP rs2078134953, ClinGen allele CA391592560.
Genomic context (GRCh38, chr15:33,837,812, plus strand): 5'-CTCAGACACCTTCAAAGAATATGACCCAGATGGTAAAGGAATTATCTCCAAAAAAGAATT[C>A]CAGAAGGCCATGGAAGGGCAAAAACAGTACACGCAGTCAGAGATTGACTTTCTCCTGTCG-3'
Protein context (NP_001027.3, residues 3934-3954): DGKGIISKKE[Phe3944Leu]QKAMEGQKQY

ClinVar aggregate classification (germline): Uncertain significance (1 of 4 stars; one submission).

Conditions:
Epileptic encephalopathy. Identifiers: MedGen C0543888, HP:0200134.

Allele frequency attached by ClinVar (database versions not stated): gnomAD 0.00001.
gnomAD v4.1: 1 of 1,613,816 alleles (0.000062%); highest among the groups gnomAD compares: Admixed American, 0.0017%; no homozygotes.

Submission:

Labcorp Genetics (formerly Invitae), Labcorp
Classification: Uncertain significance for Epileptic encephalopathy. Last evaluated: 2020-11-15. Review status: criteria provided, single submitter. Criteria: Invitae Variant Classification Sherloc (09022015). Collection method: clinical testing. Allele origin: germline.
Comment: This sequence change replaces phenylalanine with leucine at codon 3944 of the RYR3 protein (p.Phe3944Leu). The phenylalanine residue is highly conserved and there is a small physicochemical difference between phenylalanine and leucine. This variant is not present in population databases (ExAC no frequency). This variant has not been reported in the literature in individuals with RYR3-related conditions. Algorithms developed to predict the effect of missense changes on protein structure and function are either unavailable or do not agree on the potential impact of this missense change (SIFT: "Deleterious"; PolyPhen-2: "Probably Damaging"; Align-GVGD: "Class C0"). In summary, the available evidence is currently insufficient to determine the role of this variant in disease. Therefore, it has been classified as a Variant of Uncertain Significance.